The following is an entry in ClinVar:

NM_017617.5(NOTCH1):c.3221G>A (p.Cys1074Tyr)

Gene: NOTCH1 (notch receptor 1; minus strand). Cytogenetic location: 9q34.3.
Variant type: single nucleotide variant.
Coding change: c.3221G>A on transcript NM_017617.5 (MANE Select); coding-DNA position 3221, G replaced by A.
Protein change: p.Cys1074Tyr; replaces cysteine 1074 with tyrosine.
Molecular consequence: missense variant.
Genome position (GRCh38, 1-based): chr9:136,508,336, C>T on the plus strand (G>A on the coding strand, the complement: NOTCH1 is on the minus strand). VCF-style: chr9-136508336-C-T. GRCh37 (hg19) VCF-style: chr9-139402788-C-T.
Other names: short protein forms C1074Y.
Identifiers: ClinVar variation 962688 (VCV000962688.9), dbSNP rs1843122994, ClinGen allele CA375552273.
Genomic context (GRCh38, chr9:136,508,336, plus strand): 5'-CAGTAAAGGCCGGTCCAGCCGCTGGGGCACTCGCAGCGGTACTGGGTGTGGGTCTGCCAG[C>T]ATTTGCCGCCGTTCTTGCAGGGCGAGGAGTCACACCAGTGCACAAGGTTCTGGGGACAGA-3'
Protein context (NP_060087.3, residues 1064-1084): DSSPCKNGGK[Cys1074Tyr]WQTHTQYRCE

ClinVar aggregate classification (germline): Uncertain significance (1 of 4 stars; one submission).

Conditions:
Adams-Oliver syndrome 5 (AOS5). Identifiers: Orphanet 974, MedGen C4014970, MONDO:0014459, OMIM 616028.

Submission:

Labcorp Genetics (formerly Invitae), Labcorp
Classification: Uncertain significance for Adams-Oliver syndrome 5. Last evaluated: 2021-07-19. Review status: criteria provided, single submitter. Criteria: Invitae Variant Classification Sherloc (09022015). Collection method: clinical testing. Allele origin: germline.
Comment: This variant is not present in population databases (ExAC no frequency). In summary, the available evidence is currently insufficient to determine the role of this variant in disease. Therefore, it has been classified as a Variant of Uncertain Significance. Algorithms developed to predict the effect of missense changes on protein structure and function are either unavailable or do not agree on the potential impact of this missense change (SIFT: "Deleterious"; PolyPhen-2: "Probably Damaging"; Align-GVGD: "Class C0"). This variant has not been reported in the literature in individuals with NOTCH1-related conditions. This sequence change replaces cysteine with tyrosine at codon 1074 of the NOTCH1 protein (p.Cys1074Tyr). The cysteine residue is highly conserved and there is a large physicochemical difference between cysteine and tyrosine.